The following continues an entry in ClinVar:

NM_000051.4(ATM):c.8494C>T (p.Arg2832Cys)

ClinVar aggregate classification (germline): Likely pathogenic. Likely pathogenic (1). ClinVar aggregate classification (somatic clinical impact): Tier I - Strong.

Submissions 8 to 23 of 32:

Center for Genomic Medicine, Rigshospitalet, Copenhagen University Hospital
Classification: Likely pathogenic. Last evaluated: 2025-03-04. Review status: criteria provided, single submitter. Criteria: ACMG Guidelines, 2015. Collection method: clinical testing. Allele origin: germline. Not counted in ClinVar's aggregate classification.

Ambry Genetics
Classification: Pathogenic for Hereditary cancer-predisposing syndrome. Last evaluated: 2024-12-20. Review status: criteria provided, single submitter. Criteria: Ambry Variant Classification Scheme 2023. Collection method: clinical testing. Allele origin: germline. Not counted in ClinVar's aggregate classification.
Comment: The p.R2832C pathogenic mutation (also known as c.8494C>T), located in coding exon 57 of the ATM gene, results from a C to T substitution at nucleotide position 8494. The arginine at codon 2832 is replaced by cysteine, an amino acid with highly dissimilar properties. This alteration has been detected both as the only mutation and in conjunction with a second mutation in many ataxia-telangiectasia (A-T) patients (Telatar M et al. Am. J. Hum. Genet. 1998 Jan;62:86-97; Li A and Swift M. Am. J. Med. Genet. 2000 May;92:170-7; Becker-Catania SG et al. Mol. Genet. Metab. 2000 Jun;70:122-33; Mitui M et al. Hum. Mutat. 2009 Jan;30:12-21). Functional analyses of p.R2832C have shown abolished kinase activity, reduced protein levels, and increased radiosensitivity compared to wild type ATM. In addition, four of five mild A-T patients carrying this alteration developed cancer, including breast cancers, melanoma, and hematologic malignancies. Three of four p.R2832C carrier mothers from these families developed breast cancer (Mitui M et al. Hum. Mutat. 2009 Jan;30:12-21). It was also seen in a patient with a personal and family history of colorectal cancer (Hansen MF et al. Clin. Genet. 2017 Oct;92:405-414). Of note, this alteration is also designated as R2831C in published literature. This amino acid position is highly conserved in available vertebrate species. In addition, this alteration is predicted to be deleterious by in silico analysis. Based on the supporting evidence, this alteration is interpreted as a disease-causing mutation.

Institute for Genomic Medicine (IGM) Clinical Laboratory, Nationwide Children's Hospital
Classification: Tier I - Strong for Diffuse midline glioma, H3 K27M-mutant. Assertion type: diagnostic. Clinical significance: supports diagnosis. Last evaluated: 2024-12-06. Review status: criteria provided, single submitter. Criteria: AMP/ASCO/CAP Guidelines, 2017. Collection method: clinical testing. Allele origin: somatic. Affected: yes.
Comment: Variant has Tier I (strong) clinical significance as a diagnostic inclusion criterion in diffuse midline glioma, H3 K27M-mutant, based on the following evidence: 1) Documented in one or more cancer databases (e.g., St. Jude Pecan, COSMIC, CIViC, OncoKB). 2) Appears in one or more well-established professional guidelines (e.g., World Health Organization [WHO]; National Comprehensive Cancer Network [NCCN]) as providing diagnostic, prognostic, or therapeutic information. 3) Information in the literature supports potential biologic effect of variant (PMID: 18634022). 4) Diagnostic for a specific tumor type/classification based on well-powered studies with expert-level consensus (Evidence Level B; PMIDs: 28966033, 29763623, 28912153).

Fulgent Genetics
Classification: Pathogenic for Familial cancer of breast; Ataxia-telangiectasia syndrome. Last evaluated: 2024-06-12. Review status: criteria provided, single submitter. Criteria: ACMG Guidelines, 2015. Collection method: clinical testing. Allele origin: germline. Not counted in ClinVar's aggregate classification.

Baylor Genetics
Classification: Pathogenic for Familial cancer of breast. Last evaluated: 2024-03-27. Review status: criteria provided, single submitter. Criteria: ACMG Guidelines, 2015. Collection method: clinical testing. Allele origin: unknown. Not counted in ClinVar's aggregate classification.

Genetic Services Laboratory, University of Chicago
Classification: Pathogenic. Last evaluated: 2024-02-28. Review status: criteria provided, single submitter. Criteria: ACMG Guidelines, 2015. Collection method: clinical testing. Allele origin: germline. Affected: yes. Not counted in ClinVar's aggregate classification.
Comment: DNA sequence analysis of the ATM gene demonstrated a sequence change, c.8494C>T, in exon 58 that results in an amino acid change, p.Arg2832Cys. The p.Arg2832Cys change affects a highly conserved amino acid residue located in a domain of the ATM protein that is known to be functional. The p.Arg2832Cys substitution appears to be deleterious using several in-silico pathogenicity prediction tools (SIFT, PolyPhen2, REVEL). This sequence change has previously been described in several individuals with ataxia-telangiectasia (A-T) and other cancers including breast and colorectal cancer (PMID: 9443866, 10817650, 10873394, 12552559, 18634022, 22017321, 26681312, 28195393). Published functional studies suggested deleterious impact on ATM function including reduced ATM protein expression levels, reduced ATM kinase activity and intermediate radio sensitivity compared to wild type ATM (PMID: 10873394, 18634022, 19431188, 22017321). This sequence change has been described in the gnomAD database with an overall frequency of 0.0032% (dbSNP rs587779872). These collective evidences indicate that this sequence change is pathogenic.

Myriad Genetics, Inc.
Classification: Likely pathogenic for Familial cancer of breast. Last evaluated: 2024-02-02. Review status: criteria provided, single submitter. Criteria: Myriad Autosomal Dominant, Autosomal Recessive and X-Linked Classification Criteria (2023). Collection method: clinical testing. Allele origin: unknown. Not counted in ClinVar's aggregate classification.
Comment: This variant is considered likely pathogenic. Functional studies indicate this variant impacts protein function [PMID: 18634022, 21792198]. This variant has been reported in multiple individuals with clinical features of gene-specific disease [PMID: 10873394, 21665257].

CeGaT Center for Human Genetics Tuebingen
Classification: Likely pathogenic. Last evaluated: 2023-09-01. Review status: criteria provided, single submitter. Criteria: CeGaT Center For Human Genetics Tuebingen Variant Classification Criteria Version 2. Collection method: clinical testing. Allele origin: germline. Affected: yes. Observed: 1 variant allele. Not counted in ClinVar's aggregate classification.
Comment: ATM: PM1, PM2, PM5, PS3:Moderate, BP1

GeneDx
Classification: Pathogenic. Last evaluated: 2023-05-24. Review status: criteria provided, single submitter. Criteria: GeneDx Variant Classification Process June 2021. Collection method: clinical testing. Allele origin: germline. Affected: yes. Not counted in ClinVar's aggregate classification.
Comment: Published functional studies demonstrate a damaging effect: reduced ATM protein levels and reduced or absent ATM kinase activity (Becker-Catania et al., 2000; Sun et al., 2002; Butch et al., 2004; Chun and Gatti, 2004; Barone et al., 2009; Mitui et al., 2009; Reiman et al., 2011; Fievet et al., 2019; Schon et al., 2019); Observed in the heterozygous state in individuals with ATM-related cancers (Schroeder et al., 2015; Hansen et al., 2017; Renault et al., 2018; Girard et al., 2019); Not observed at significant frequency in large population cohorts (gnomAD); In silico analysis supports that this missense variant has a deleterious effect on protein structure/function; This variant is associated with the following publications: (PMID: 15503472, 25793145, 9443866, 16448697, 29665859, 32980694, 29922827, 28888541, 12673797, 12072877, 20301790, 23091097, 15486025, 19431188, 10817650, 25040471, 12497634, 18634022, 15279807, 27135926, 26681312, 26312527, 26022348, 28008555, 28195393, 12552559, 22529920, 25827173, 30093976, 30549301, 31050087, 21792198, 22017321, 23532176, 29625052, 30875412, 35264596, 34926252, 35737913, 33328602, 35486574, 33471991, 32155193, 36988593, 35454905, 35365198, 36521553, 26896183, 26846839, 21665257, 10873394, 30303537)

Clinical Genetics Laboratory, Skane University Hospital Lund
Classification: Pathogenic. Last evaluated: 2022-05-27. Review status: criteria provided, single submitter. Criteria: ACMG Guidelines, 2015. Collection method: clinical testing. Allele origin: germline. Affected: yes. Not counted in ClinVar's aggregate classification.

Sema4
Classification: Pathogenic for Hereditary cancer-predisposing syndrome. Last evaluated: 2021-07-23. Review status: criteria provided, single submitter. Criteria: Sema4 Curation Guidelines. Collection method: curation. Allele origin: germline. Not counted in ClinVar's aggregate classification.
Comment: The ATM c.8494C>T (p.R2832C) variant has been reported as compound heterozygous in at least two individuals with ataxia telangiectasia (PMID: 9443866, 18634022, 21665257). It has also been observed in numerous individuals with breast cancer (PMID: 30093976, 33471991). Functional studies have shown that this variant alters the protein expression and radiosensitivity (PMID: 18634022). This variant was observed in 2/16244 chromosomes in the African/African American population according to the Genome Aggregation Database (PMID: 32461654). This variant is reported in the ClinVar database as 127459. In silico tools suggest the impact of the variant on protein function is deleterious. Based on the current evidence available, this variant is interpreted as pathogenic.

Kariminejad - Najmabadi Pathology & Genetics Center
Classification: Pathogenic for Abnormal central motor function. Last evaluated: 2021-07-10. Review status: criteria provided, single submitter. Criteria: ACMG Guidelines, 2015. Collection method: clinical testing. Allele origin: germline. Affected: yes. Not counted in ClinVar's aggregate classification.

Department of Molecular Diagnostics, Institute of Oncology Ljubljana
Classification: Likely pathogenic for Familial cancer of breast. Last evaluated: 2020-04-02. Review status: criteria provided, single submitter. Criteria: ACMG Guidelines, 2015. Collection method: clinical testing. Allele origin: germline. Affected: yes. Not counted in ClinVar's aggregate classification.

Revvity Omics, Revvity
Classification: Pathogenic for Ataxia-telangiectasia syndrome. Last evaluated: 2019-06-07. Review status: criteria provided, single submitter. Criteria: ACMG Guidelines, 2015. Collection method: clinical testing. Allele origin: germline. Not counted in ClinVar's aggregate classification.

Knight Diagnostic Laboratories, Oregon Health and Sciences University
Classification: Pathogenic for Hereditary cancer-predisposing syndrome. Last evaluated: 2019-03-26. Review status: criteria provided, single submitter. Criteria: ACMG Guidelines, 2015. Collection method: clinical testing. Allele origin: germline. Observed: 1 variant allele. Not counted in ClinVar's aggregate classification.

Mayo Clinic Laboratories, Mayo Clinic
Classification: Pathogenic for Ataxia-telangiectasia syndrome. Last evaluated: 2018-07-10. Review status: criteria provided, single submitter. Criteria: ACMG Guidelines, 2015. Collection method: clinical testing. Allele origin: paternal. Not counted in ClinVar's aggregate classification.